The following is an entry in ClinVar:

NM_001142864.4(PIEZO1):c.3021C>G (p.Ile1007Met)

Genes: HSALR1 (HSP90AB1 associated lncRNA 1; plus strand), PIEZO1 (piezo type mechanosensitive ion channel component 1 (Er blood group); minus strand). Cytogenetic location: 16q24.3.
Variant type: single nucleotide variant.
Coding change: c.3021C>G on transcript NM_001142864.4 (MANE Select); coding-DNA position 3021, C replaced by G.
Protein change: p.Ile1007Met; replaces isoleucine 1007 with methionine.
Molecular consequence: missense variant.
Genome position (GRCh38, 1-based): chr16:88,731,881, G>C on the plus strand (C>G on the coding strand, the complement: PIEZO1 is on the minus strand). VCF-style: chr16-88731881-G-C. GRCh37 (hg19) VCF-style: chr16-88798289-G-C.
Other names: short protein forms I1007M.
Identifiers: ClinVar variation 4071557 (VCV004071557.1).

ClinVar aggregate classification (germline): Uncertain significance (1 of 4 stars; one submission).

gnomAD v4.1: 26 of 1,294,292 alleles (0.002%); highest among the groups gnomAD compares: African/African-American, 0.078%; no homozygotes.

Submission:

GeneDx
Classification: Uncertain significance. Last evaluated: 2025-01-24. Review status: criteria provided, single submitter. Criteria: GeneDx Variant Classification Process June 2021. Collection method: clinical testing. Allele origin: germline. Affected: yes.
Comment: Observed by whole exome sequencing in a patient with sporadic adenomatous polyposis (PMID: 26780541); In silico analysis supports that this missense variant has a deleterious effect on protein structure/function; This variant is associated with the following publications: (PMID: 26780541, 32112123)